The following is an entry in ClinVar:

NM_018979.4(WNK1):c.3935G>A (p.Arg1312His)

Gene: WNK1 (WNK lysine deficient protein kinase 1; plus strand). Cytogenetic location: 12p13.33.
Variant type: single nucleotide variant.
Coding change: c.3935G>A on transcript NM_018979.4 (MANE Select); coding-DNA position 3935, G replaced by A.
Protein change: p.Arg1312His; replaces arginine 1312 with histidine.
Molecular consequence: missense variant.
Genome position (GRCh38, 1-based): chr12:884,739, G>A. VCF-style: chr12-884739-G-A. GRCh37 (hg19) VCF-style: chr12-993905-G-A.
Other names: c.3935G>A (NM_018979.3); c.4715G>A, p.Arg1572His (NM_001184985.2); c.3194G>A, p.Arg1065His (NM_014823.3); c.4691G>A, p.Arg1564His (NM_213655.5); short protein forms R1572H, R1065H, R1312H, R1564H.
Identifiers: ClinVar variation 644668 (VCV000644668.12), dbSNP rs375565845, ClinGen allele CA6382898.
Genomic context (GRCh38, chr12:884,739, plus strand): 5'-TGAACTTGTCTCACTCTGCATCATCCCTTAGTCTACAACAGGCCTTTTCTGAACTTAGAC[G>A]TGCCCAAATGACAGAAGGACCCAACACAGCACCTCCAAACTTTAGTCATACAGGACCAAC-3'
Protein context (NP_061852.3, residues 1302-1322): SLQQAFSELR[Arg1312His]AQMTEGPNTA

ClinVar aggregate classification (germline): Conflicting classifications of pathogenicity. Review status: criteria provided, conflicting classifications (1 of 4 stars). 4 submissions from 4 submitters: Uncertain significance (3); Likely benign (1). Last evaluated 2025-12-17.

Conditions:
Neuropathy, hereditary sensory and autonomic, type 2A (HSAN2A). Also called: HSAN IIA; ACROOSTEOLYSIS, GIACCAI TYPE; ACROOSTEOLYSIS, NEUROGENIC; WNK1-Related HSAN2 (HSAN2A); MORVAN DISEASE; NEUROPATHY, CONGENITAL SENSORY. Identifiers: Orphanet 970, MedGen C2752089, MONDO:0024309, OMIM 201300.
Pseudohypoaldosteronism type 2C (PHA2C). Also called: Pseudohypoaldosteronism Type IIC. Identifiers: Orphanet 757, Orphanet 88940, MedGen C1840391, MONDO:0013778, OMIM 614492.
Inborn genetic diseases. Identifiers: MedGen C0950123, MeSH D030342.
WNK1-related disorder. Also called: WNK1-related condition.

Allele frequency attached by ClinVar (database versions not stated): ExAC 0.00003; gnomAD 0.00003; gnomAD exomes 0.00004; TOPMed 0.00007; ESP Exome Variant Server 0.00023.
gnomAD v4.1: 45 of 1,613,964 alleles (0.0028%); highest among the groups gnomAD compares: Middle Eastern, 0.016%; no homozygotes.

Submissions (4):

Labcorp Genetics (formerly Invitae), Labcorp
Classification: Uncertain significance for Neuropathy, hereditary sensory and autonomic, type 2A; Pseudohypoaldosteronism type 2C. Last evaluated: 2025-12-17. Review status: criteria provided, single submitter. Criteria: Invitae Variant Classification Sherloc (09022015). Collection method: clinical testing. Allele origin: germline.
Comment: This sequence change replaces arginine, which is basic and polar, with histidine, which is basic and polar, at codon 1564 of the WNK1 protein (p.Arg1564His). This variant is present in population databases (rs375565845, gnomAD 0.009%). This variant has not been reported in the literature in individuals affected with WNK1-related conditions. ClinVar contains an entry for this variant (Variation ID: 644668). Invitae Evidence Modeling of protein sequence and biophysical properties (such as structural, functional, and spatial information, amino acid conservation, physicochemical variation, residue mobility, and thermodynamic stability) indicates that this missense variant is not expected to disrupt WNK1 protein function with a negative predictive value of 95%. In summary, the available evidence is currently insufficient to determine the role of this variant in disease. Therefore, it has been classified as a Variant of Uncertain Significance.

PreventionGenetics, part of Exact Sciences
Classification: Uncertain significance for WNK1-related condition. Last evaluated: 2025-07-15. Review status: criteria provided, single submitter. Criteria: ACMG Guidelines, 2015. Collection method: clinical testing. Allele origin: germline.
Comment: The WNK1 c.3935G>A variant is predicted to result in the amino acid substitution p.Arg1312His. To our knowledge, this variant has not been reported in the literature in individuals with WNK1-related disorders. This variant is reported in 0.0087% of alleles in individuals of Latino descent in gnomAD. At this time, the clinical significance of this variant is uncertain due to the absence of conclusive functional and genetic evidence.

Fulgent Genetics
Classification: Uncertain significance for Neuropathy, hereditary sensory and autonomic, type 2A; Pseudohypoaldosteronism type 2C. Last evaluated: 2024-04-10. Review status: criteria provided, single submitter. Criteria: ACMG Guidelines, 2015. Collection method: clinical testing. Allele origin: germline.

Ambry Genetics
Classification: Likely benign for Inborn genetic diseases. Last evaluated: 2021-06-11. Review status: criteria provided, single submitter. Criteria: Ambry Variant Classification Scheme 2023. Collection method: clinical testing. Allele origin: germline.